The following is an entry in ClinVar:

NM_000283.4(PDE6B):c.2117A>G (p.Lys706Arg)

Gene: PDE6B (phosphodiesterase 6B; plus strand). Cytogenetic location: 4p16.3.
Variant type: single nucleotide variant.
Coding change: c.2117A>G on transcript NM_000283.4 (MANE Select); coding-DNA position 2117, A replaced by G.
Protein change: p.Lys706Arg; replaces lysine 706 with arginine.
Molecular consequence: missense variant.
Genome position (GRCh38, 1-based): chr4:664,209, A>G. VCF-style: chr4-664209-A-G. GRCh37 (hg19) VCF-style: chr4-657998-A-G.
Other names: c.2117A>G, p.Lys706Arg (NM_001145291.2); c.1280A>G, p.Lys427Arg (NM_001145292.2, NM_001350154.3, NM_001379246.1 and 1 more transcripts); c.962A>G, p.Lys321Arg (NM_001350155.3); short protein forms K321R, K427R, K706R.
Identifiers: ClinVar variation 1715637 (VCV001715637.5), dbSNP rs768325431, ClinGen allele CA2794855.
Genomic context (GRCh38, chr4:664,209, plus strand): 5'-CCAAGAACTACCAGGACAAGAAGAGCTGGGTGGAGTACCTGTCCCTGGAGACGACCCGGA[A>G]GGAGATCGTCATGTGAGCGCGGGCGGAGGGGGCACGAGGGGTCCTTCCCTCGCAGGGACC-3'
Protein context (NP_000274.3, residues 696-716): VEYLSLETTR[Lys706Arg]EIVMAMMMTA

ClinVar aggregate classification (germline): Uncertain significance (1 of 4 stars; one submission).

Allele frequency attached by ClinVar (database versions not stated): gnomAD exomes below 0.00001; ExAC 0.00002.
gnomAD v4.1: 2 of 1,596,804 alleles (0.00013%); highest among the groups gnomAD compares: Admixed American, 0.0033%; no homozygotes.

Submission:

Labcorp Genetics (formerly Invitae), Labcorp
Classification: Uncertain significance. Last evaluated: 2022-08-08. Review status: criteria provided, single submitter. Criteria: Invitae Variant Classification Sherloc (09022015). Collection method: clinical testing. Allele origin: germline.
Comment: This sequence change replaces lysine, which is basic and polar, with arginine, which is basic and polar, at codon 706 of the PDE6B protein (p.Lys706Arg). In summary, the available evidence is currently insufficient to determine the role of this variant in disease. Therefore, it has been classified as a Variant of Uncertain Significance. Algorithms developed to predict the effect of missense changes on protein structure and function (SIFT, PolyPhen-2, Align-GVGD) all suggest that this variant is likely to be disruptive. This variant has not been reported in the literature in individuals affected with PDE6B-related conditions. This variant is present in population databases (rs768325431, gnomAD 0.006%).